The following is an entry in ClinVar:

NM_030662.4(MAP2K2):c.383C>A (p.Pro128Gln)

Gene: MAP2K2 (mitogen-activated protein kinase kinase 2; minus strand). Cytogenetic location: 19p13.3.
Variant type: single nucleotide variant.
Coding change: c.383C>A on transcript NM_030662.4 (MANE Select); coding-DNA position 383, C replaced by A.
Protein change: p.Pro128Gln; replaces proline 128 with glutamine.
Molecular consequence: missense variant.
Genome position (GRCh38, 1-based): chr19:4,110,576, G>T on the plus strand (C>A on the coding strand, the complement: MAP2K2 is on the minus strand). VCF-style: chr19-4110576-G-T. GRCh37 (hg19) VCF-style: chr19-4110574-G-T.
Other names: P128Q; p.P128Q:CCG>CAG; NM_030662.3(MAP2K2):c.383C>A; NM_030662.4(MAP2K2):c.383C>A.
Identifiers: ClinVar variation 8275 (VCV000008275.6), dbSNP rs267607230, ClinGen allele CA279962.

ClinVar aggregate classification (germline): Pathogenic. Review status: reviewed by expert panel (3 of 4 stars). 4 submissions from 4 submitters: Pathogenic (1). 3 of the submissions do not count toward it. Last evaluated 2024-09-17.

Conditions:
Cardio-facio-cutaneous syndrome. Also called: Cardiofaciocutaneous syndrome; CFC syndrome. Identifiers: Orphanet 1340, MedGen C1275081, MONDO:0015280. Disease mechanism: gain of function.
Cardiofaciocutaneous syndrome 4 (CFC4). Also called: MAP2K2-Related Cardiofaciocutaneous Syndrome. Identifiers: Orphanet 1340, MedGen C3809007, MONDO:0014114, OMIM 615280.
RASopathy. Also called: rasopathies; Noonan spectrum disorder. Identifiers: Orphanet 536391, MedGen C5555857, MONDO:0021060.

Submissions (4):

ClinGen RASopathy Variant Curation Expert Panel
Classification: Pathogenic for RASopathy. Last evaluated: 2024-09-17. Review status: reviewed by expert panel. Criteria: ClinGen RASopathy ACMG Specifications MAP2K2 V2.1.0. Collection method: curation. Allele origin: germline. Inheritance: Autosomal dominant inheritance.
Comment: The c.383C>A variant in the MAP2K2 gene is a missense variant predicted to cause substitution of proline by glutamine at amino acid 128 (p.Pro128Gln). This variant is absent from gnomAD v4.1.0 (PM2_Supporting). The computational predictor REVEL gives a score of 0.928 (PP3). This variant is located in a functional domain supporting pathogenicity (PM1). This variant has been reported to segregate with clinical features of a RASopathy in at least 7 family members of the proband (PS4_Supporting, PP1_Strong; 20358587). ERK phosphorylation assay showed that this variant led to increased ERK phosphorylation compared to wild-type (PS3_P; PMID 20358587). In summary, this variant meets criteria to be classified as pathogenic for autosomal dominant RASopathies based on the ACMG/AMP criteria applied, as specified by the ClinGen RASopathy Variant Curation Expert Panel: PP1_Strong, PM1, PS3_Supporting, PS4_Supporting, PM2_Supporting, PP3 (Specification Version 2.1, 09/17/2024)

GeneDx
Classification: Pathogenic. Last evaluated: 2013-05-27. Review status: criteria provided, single submitter. Criteria: GeneDx Variant Classification (06012015). Collection method: clinical testing. Allele origin: germline. Affected: yes. Not counted in ClinVar's aggregate classification.
Comment: p.Pro128Gln (CCG>CAG): c.383 C>A in exon 3 of the MAP2K2 gene (NM_030662.3). The P128Q missense mutation in the MAP2K2 gene has been reported previously in association with cardio-facio-cutaneous (CFC) syndrome (Rauen et al., 2009). Additionally, another mutation at the same codon (P128R) has been reported in association with CFC syndrome (Narumi et al., 2007). The variant is found in NOONAN panel(s).

OMIM
Classification: Pathogenic for CARDIOFACIOCUTANEOUS SYNDROME 4. Last evaluated: 2010-04-01. Review status: no assertion criteria provided. Collection method: literature only. Allele origin: germline. Not counted in ClinVar's aggregate classification.

GeneReviews
No classification provided. Condition: Cardio-facio-cutaneous syndrome. Review status: no classification provided. Collection method: literature only. Allele origin: germline. Affected: yes. Not counted in ClinVar's aggregate classification.

Literature cited by the submitters: PubMed 20358587 (cited by OMIM); NCBI Bookshelf NBK1186 (cited by GeneReviews).